The following is an entry in ClinVar:

ClinVar aggregate classification (germline): Uncertain significance (1 of 4 stars; one submission).

Conditions:
ALDH5A1-related disorder. Also called: ALDH5A1-related condition.

Submission:

PreventionGenetics, part of Exact Sciences
Classification: Uncertain significance for ALDH5A1-related condition. Last evaluated: 2025-09-18. Review status: criteria provided, single submitter. Criteria: ACMG Guidelines, 2015. Collection method: clinical testing. Allele origin: germline.
Comment: The ALDH5A1 c.434A>G variant is predicted to result in the amino acid substitution p.Glu145Gly. To our knowledge, this variant has not been reported in the literature or in a large population database (gnomAD), indicating this variant is rare. Although we suspect that this variant may be pathogenic, at this time, the clinical significance of this variant is uncertain due to the absence of conclusive functional and genetic evidence.

NM_001080.3(ALDH5A1):c.434A>G (p.Glu145Gly)

Gene: ALDH5A1 (aldehyde dehydrogenase 5 family member A1; plus strand). Cytogenetic location: 6p22.3.
Variant type: single nucleotide variant.
Coding change: c.434A>G on transcript NM_001080.3 (MANE Select); coding-DNA position 434, A replaced by G.
Protein change: p.Glu145Gly; replaces glutamic acid 145 with glycine.
Molecular consequence: missense variant.
Genome position (GRCh38, 1-based): chr6:24,502,602, A>G. VCF-style: chr6-24502602-A-G. GRCh37 (hg19) VCF-style: chr6-24502830-A-G.
Other names: c.434A>G, p.Glu145Gly (NM_001368954.1, NM_170740.1); short protein forms E145G.
Identifiers: ClinVar variation 3061206 (VCV003061206.3), dbSNP rs2532831071, ClinGen allele CA362969335.